The following is an entry in ClinVar:

NM_001278716.2(FBXL4):c.115G>A (p.Glu39Lys)

Gene: FBXL4 (F-box and leucine rich repeat protein 4; minus strand). Cytogenetic location: 6q16.2.
Variant type: single nucleotide variant.
Coding change: c.115G>A on transcript NM_001278716.2 (MANE Select); coding-DNA position 115, G replaced by A.
Protein change: p.Glu39Lys; replaces glutamic acid 39 with lysine.
Molecular consequence: missense variant. On other transcripts: non-coding transcript variant (2).
Genome position (GRCh38, 1-based): chr6:98,926,874, C>T on the plus strand (G>A on the coding strand, the complement: FBXL4 is on the minus strand). VCF-style: chr6-98926874-C-T. GRCh37 (hg19) VCF-style: chr6-99374750-C-T.
Other names: c.115G>A, p.Glu39Lys (NM_012160.5); short protein forms E39K.
Identifiers: ClinVar variation 1918787 (VCV001918787.6), dbSNP rs1485096877, ClinGen allele CA16021238.
Genomic context (GRCh38, chr6:98,926,874, plus strand): 5'-CTACTTCTTTGGCATACTGGACTACCTCTGCATTGAGAGGGGAAGTCTGGCTGTTTGATT[C>T]TATAGCTCTATGGGTGTTCATCATTTCTCCTCTTGTAGCTGTCCTGGCTCGGCGCCGAAG-3'
Protein context (NP_001265645.1, residues 29-49): GEMMNTHRAI[Glu39Lys]SNSQTSPLNA

ClinVar aggregate classification (germline): Uncertain significance. Review status: criteria provided, multiple submitters, no conflicts (2 of 4 stars). 2 submissions from 2 submitters: Uncertain significance (2). Last evaluated 2025-06-11.

Conditions:
Inborn genetic diseases. Identifiers: MedGen C0950123, MeSH D030342.

Allele frequency attached by ClinVar (database versions not stated): gnomAD 0.00001; TOPMed 0.00001; gnomAD exomes 0.00001.
gnomAD v4.1: 11 of 1,614,052 alleles (0.00068%); highest among the groups gnomAD compares: East Asian, 0.022%; no homozygotes.

Submissions (2):

Ambry Genetics
Classification: Uncertain significance for Inborn genetic diseases. Last evaluated: 2025-06-11. Review status: criteria provided, single submitter. Criteria: Ambry Variant Classification Scheme 2023. Collection method: clinical testing. Allele origin: germline.

Labcorp Genetics (formerly Invitae), Labcorp
Classification: Uncertain significance. Last evaluated: 2022-07-04. Review status: criteria provided, single submitter. Criteria: Invitae Variant Classification Sherloc (09022015). Collection method: clinical testing. Allele origin: germline.
Comment: This sequence change replaces glutamic acid, which is acidic and polar, with lysine, which is basic and polar, at codon 39 of the FBXL4 protein (p.Glu39Lys). This variant is present in population databases (no rsID available, gnomAD 0.06%). This variant has not been reported in the literature in individuals affected with FBXL4-related conditions. Advanced modeling of protein sequence and biophysical properties (such as structural, functional, and spatial information, amino acid conservation, physicochemical variation, residue mobility, and thermodynamic stability) performed at Invitae indicates that this missense variant is expected to disrupt FBXL4 protein function. In summary, the available evidence is currently insufficient to determine the role of this variant in disease. Therefore, it has been classified as a Variant of Uncertain Significance.